The following is an entry in ClinVar:

ClinVar aggregate classification (germline): Pathogenic (1 of 4 stars; one submission).

Conditions:
Familial adenomatous polyposis 1 (FAP1). Also called: FAMILIAL ADENOMATOUS POLYPOSIS 1, ATTENUATED; POLYPOSIS, ADENOMATOUS INTESTINAL. Identifiers: MedGen C2713442, MONDO:0021056, OMIM 175100. Disease mechanism: loss of function.

Submission:

Myriad Genetics, Inc.
Classification: Pathogenic for Familial adenomatous polyposis 1. Last evaluated: 2023-05-03. Review status: criteria provided, single submitter. Criteria: Myriad Autosomal Dominant, Autosomal Recessive and X-Linked Classification Criteria (2023). Collection method: clinical testing. Allele origin: unknown.
Comment: This variant is considered pathogenic. This variant creates a frameshift predicted to result in premature protein truncation.

NM_000038.6(APC):c.1806_1809del (p.Asn602fs)

Gene: APC (APC regulator of Wnt signaling pathway; plus strand). Cytogenetic location: 5q22.2.
Variant type: Deletion.
Coding change: c.1806_1809del on transcript NM_000038.6 (MANE Select); coding-DNA positions 1806 to 1809, 4 bases deleted (TAAA; older notation c.1806_1809delTAAA).
Protein change: p.Asn602fs; shifts the reading frame from asparagine 602.
Molecular consequence: frameshift variant. On other transcripts: non-coding transcript variant (2).
Genome position (GRCh38, 1-based): chr5:112,835,013-112,835,016, TAAA deleted; deleting any 4 consecutive bases within chr5:112,835,011-112,835,016 gives the same sequence; the c. name uses the placement nearest the transcript's 3' end. VCF-style (leftmost placement, unchanged base first): chr5-112835010-GAATA-G. GRCh37 (hg19) VCF-style: chr5-112170707-GAATA-G.
Other names: c.1806_1809del, p.Asn602fs (NM_001127510.3, NM_001354895.2, NM_001407450.1); c.1752_1755del, p.Asn584fs (NM_001127511.3); c.1860_1863del, p.Asn620fs (NM_001354896.2, NM_001407447.1, NM_001407448.1 and 1 more transcripts); c.1836_1839del, p.Asn612fs (NM_001354897.2); c.1731_1734del, p.Asn577fs (NM_001354898.2); c.1722_1725del, p.Asn574fs (NM_001354899.2); c.1683_1686del, p.Asn561fs (NM_001354900.2); c.1629_1632del, p.Asn543fs (NM_001354901.2, NM_001407453.1); and 11 more; short protein forms N218fs, N319fs, N442fs, N473fs, N476fs, N501fs, N511fs, N519fs.
Identifiers: ClinVar variation 2583888 (VCV002583888.2), dbSNP rs2533334852, ClinGen allele CA2582341324.